The following is an entry in ClinVar:

ClinVar aggregate classification (germline): Pathogenic. Review status: criteria provided, multiple submitters, no conflicts (2 of 4 stars). 4 submissions from 4 submitters: Pathogenic (4). Last evaluated 2025-12-03.

Conditions:
Arrhythmogenic right ventricular cardiomyopathy (ARVD). Also called: Cardiomyopathy, ARVC; Arrhythmogenic right ventricular dysplasia; Arrhythmogenic Right Ventricular Cardiomyopathy (ARVC); Arrhythmogenic cardiomyopathy. Identifiers: Orphanet 247, MedGen C0349788, MeSH D019571, MONDO:0016587. Disease mechanism: loss of function. Inheritance: Various modes of inheritance.
Arrhythmogenic right ventricular dysplasia 9 (ARVD9). Also called: Arrhythmogenic Right Ventricular Dysplasia/Cardiomyopathy 9; ARRHYTHMOGENIC RIGHT VENTRICULAR DYSPLASIA, FAMILIAL, 9. Identifiers: MedGen C1836906, MONDO:0012180, OMIM 609040.

Allele frequency attached by ClinVar (database versions not stated): TOPMed below 0.00001.

Submissions (4):

3billion
Classification: Pathogenic for Arrhythmogenic right ventricular dysplasia 9. Last evaluated: 2025-12-03. Review status: criteria provided, single submitter. Criteria: ACMG Guidelines, 2015. Collection method: clinical testing. Allele origin: germline. Affected: yes.
Comment: The variant is not observed in the gnomAD v4.1.0 dataset. Predicted Consequence/Location: Frameshift: predicted to result in a loss or disruption of normal protein function through nonsense-mediated decay (NMD) or protein truncation. Multiple pathogenic variants are reported downstream of the variant. The variant has been reported at least twice as pathogenic without evidence for the classification (ClinVar ID: VCV001443926 /PMID: 31402444). Therefore, this variant is classified as Pathogenic according to the recommendation of ACMG/AMP guideline.

GeneDx
Classification: Pathogenic. Last evaluated: 2023-08-03. Review status: criteria provided, single submitter. Criteria: GeneDx Variant Classification Process June 2021. Collection method: clinical testing. Allele origin: germline. Affected: yes.
Comment: Frameshift variant predicted to result in protein truncation or nonsense mediated decay in a gene for which loss of function is a known mechanism of disease; Not observed at significant frequency in large population cohorts (gnomAD); This variant is associated with the following publications: (PMID: 31402444, 35819174)

Molecular Genetics Laboratory - Cardiogenetics, CHU de Nantes
Classification: Pathogenic for Arrhythmogenic right ventricular cardiomyopathy. Last evaluated: 2022-06-01. Review status: criteria provided, single submitter. Criteria: ACMG Guidelines, 2015. Collection method: curation. Allele origin: germline. Affected: yes.

Labcorp Genetics (formerly Invitae), Labcorp
Classification: Pathogenic for Arrhythmogenic right ventricular dysplasia 9. Last evaluated: 2021-08-06. Review status: criteria provided, single submitter. Criteria: Invitae Variant Classification Sherloc (09022015). Collection method: clinical testing. Allele origin: germline.
Comment: For these reasons, this variant has been classified as Pathogenic. This variant has not been reported in the literature in individuals with PKP2-related conditions. This variant is not present in population databases (ExAC no frequency). This sequence change creates a premature translational stop signal (p.Leu422Serfs*3) in the PKP2 gene. It is expected to result in an absent or disrupted protein product. Loss-of-function variants in PKP2 are known to be pathogenic (PMID: 15489853, 23911551).

Literature cited by the submitters: PubMed 31402444 (cited by 3billion); PubMed 15489853 (cited by Labcorp Genetics (formerly Invitae), Labcorp); PubMed 23911551 (cited by Labcorp Genetics (formerly Invitae), Labcorp).

NM_001005242.3(PKP2):c.1264_1265del (p.Leu422fs)

Gene: PKP2 (plakophilin 2; minus strand). Cytogenetic location: 12p11.21.
Variant type: Deletion.
Coding change: c.1264_1265del on transcript NM_001005242.3 (MANE Select); coding-DNA positions 1264 to 1265, 2 bases deleted (TT; older notation c.1264_1265delTT).
Protein change: p.Leu422fs; shifts the reading frame from leucine 422.
Molecular consequence: frameshift variant.
Genome position (GRCh38, 1-based): chr12:32,850,879-32,850,880, AA deleted on the plus strand (TT on the coding strand, the reverse complement: PKP2 is on the minus strand). VCF-style (leftmost placement, unchanged base first): chr12-32850878-TAA-T. GRCh37 (hg19) VCF-style: chr12-33003812-TAA-T.
Other names: c.1264_1265del, p.Leu422fs (NM_004572.4); short protein forms L422fs.
Identifiers: ClinVar variation 1443926 (VCV001443926.8), dbSNP rs1956690062, ClinGen allele CA2026389602.